The following is an entry in ClinVar:

ClinVar aggregate classification (germline): Uncertain significance. Review status: criteria provided, multiple submitters, no conflicts (2 of 4 stars). 2 submissions from 2 submitters: Uncertain significance (2). Last evaluated 2024-02-17.

Conditions:
Tuberous sclerosis 1 (TSC1). Identifiers: Orphanet 805, MedGen C1854465, MONDO:0008612, OMIM 191100.
Hereditary cancer-predisposing syndrome. Also called: Hereditary neoplastic syndrome; Neoplastic Syndromes, Hereditary; Tumor predisposition; Hereditary Cancer Syndrome. Identifiers: Orphanet 140162, MedGen C0027672, MeSH D009386, MONDO:0015356.

Submissions (2):

Labcorp Genetics (formerly Invitae), Labcorp
Classification: Uncertain significance for Tuberous sclerosis 1. Last evaluated: 2024-02-17. Review status: criteria provided, single submitter. Criteria: Invitae Variant Classification Sherloc (09022015). Collection method: clinical testing. Allele origin: germline.
Comment: This sequence change replaces methionine, which is neutral and non-polar, with isoleucine, which is neutral and non-polar, at codon 879 of the TSC1 protein (p.Met879Ile). This variant is not present in population databases (gnomAD no frequency). This variant has not been reported in the literature in individuals affected with TSC1-related conditions. ClinVar contains an entry for this variant (Variation ID: 466093). Advanced modeling of protein sequence and biophysical properties (such as structural, functional, and spatial information, amino acid conservation, physicochemical variation, residue mobility, and thermodynamic stability) performed at Invitae indicates that this missense variant is not expected to disrupt TSC1 protein function with a negative predictive value of 95%. In summary, the available evidence is currently insufficient to determine the role of this variant in disease. Therefore, it has been classified as a Variant of Uncertain Significance.

Ambry Genetics
Classification: Uncertain significance for Hereditary cancer-predisposing syndrome. Last evaluated: 2019-11-29. Review status: criteria provided, single submitter. Criteria: Ambry Variant Classification Scheme 2023. Collection method: clinical testing. Allele origin: germline.
Comment: The p.M879I variant (also known as c.2637G>A), located in coding exon 19 of the TSC1 gene, results from a G to A substitution at nucleotide position 2637. The methionine at codon 879 is replaced by isoleucine, an amino acid with highly similar properties. This amino acid position is well conserved in available vertebrate species. In addition, the in silico prediction for this alteration is inconclusive. Since supporting evidence is limited at this time, the clinical significance of this alteration remains unclear.

NM_000368.5(TSC1):c.2637G>A (p.Met879Ile)

Gene: TSC1 (TSC complex subunit 1; minus strand). Cytogenetic location: 9q34.13.
Variant type: single nucleotide variant.
Coding change: c.2637G>A on transcript NM_000368.5 (MANE Select); coding-DNA position 2637, G replaced by A.
Protein change: p.Met879Ile; replaces methionine 879 with isoleucine.
Molecular consequence: missense variant.
Genome position (GRCh38, 1-based): chr9:132,897,599, C>T on the plus strand (G>A on the coding strand, the complement: TSC1 is on the minus strand). VCF-style: chr9-132897599-C-T. GRCh37 (hg19) VCF-style: chr9-135772986-C-T.
Other names: c.2634G>A, p.Met878Ile (NM_001162426.2); c.2484G>A, p.Met828Ile (NM_001162427.2); c.2274G>A, p.Met758Ile (NM_001362177.2); short protein forms M879I, M828I, M758I, M878I.
Identifiers: ClinVar variation 466093 (VCV000466093.13), dbSNP rs1554813610, ClinGen allele CA375369689.